The following is an entry in ClinVar:

ClinVar aggregate classification (germline): Likely benign. Review status: criteria provided, multiple submitters, no conflicts (2 of 4 stars). 3 submissions from 3 submitters: Likely benign (3). Last evaluated 2026-03-09.

Conditions:
CYP4V2-related disorder. Also called: CYP4V2-related condition; CYP4V2-related disorders.

Allele frequency attached by ClinVar (database versions not stated): gnomAD 0.00001; TOPMed 0.00002.
gnomAD v4.1: 16 of 1,568,954 alleles (0.001%); highest among the groups gnomAD compares: Non-Finnish European, 0.0013%; no homozygotes.

Submissions (3):

PreventionGenetics, part of Exact Sciences
Classification: Likely benign for CYP4V2-related condition. Last evaluated: 2026-03-09. Review status: criteria provided, single submitter. Criteria: ACMG Guidelines, 2015. Collection method: clinical testing. Allele origin: germline.
Comment: This variant is classified as likely benign based on ACMG/AMP sequence variant interpretation guidelines (Richards et al. 2015 PMID: 25741868, with internal and published modifications).

Labcorp Genetics (formerly Invitae), Labcorp
Classification: Likely benign. Last evaluated: 2022-08-31. Review status: criteria provided, single submitter. Criteria: Invitae Variant Classification Sherloc (09022015). Collection method: clinical testing. Allele origin: germline.

Blueprint Genetics
Classification: Likely benign. Last evaluated: 2019-08-30. Review status: criteria provided, single submitter. Criteria: ACMG Guidelines, 2015. Collection method: clinical testing. Allele origin: germline.

NM_207352.4(CYP4V2):c.12C>G (p.Leu4=)

Genes: CYP4V2 (cytochrome P450 family 4 subfamily V member 2; plus strand), LOC129993526 (ATAC-STARR-seq lymphoblastoid silent region 15858; plus strand). Cytogenetic location: 4q35.1.
Variant type: single nucleotide variant.
Coding change: c.12C>G on transcript NM_207352.4 (MANE Select); coding-DNA position 12, C replaced by G.
Protein change: p.Leu4=; no amino-acid change (leucine 4 retained).
Molecular consequence: synonymous variant.
Genome position (GRCh38, 1-based): chr4:186,191,835, C>G. VCF-style: chr4-186191835-C-G. GRCh37 (hg19) VCF-style: chr4-187112989-C-G.
Other names: c.12C>G (NM_207352.3).
Identifiers: ClinVar variation 2137155 (VCV002137155.6), dbSNP rs1735991603, ClinGen allele CA442638474.